The following is an entry in ClinVar:

NM_001085458.2(CTNND1):c.2714C>T (p.Ser905Phe)

Genes: CTNND1 (catenin delta 1; plus strand), TMX2-CTNND1 (TMX2-CTNND1 readthrough (NMD candidate); plus strand). Cytogenetic location: 11q12.1.
Variant type: single nucleotide variant.
Coding change: c.2714C>T on transcript NM_001085458.2 (MANE Select); coding-DNA position 2714, C replaced by T.
Protein change: p.Ser905Phe; replaces serine 905 with phenylalanine.
Molecular consequence: missense variant. On other transcripts: non-coding transcript variant (1).
Genome position (GRCh38, 1-based): chr11:57,815,406, C>T. VCF-style: chr11-57815406-C-T. GRCh37 (hg19) VCF-style: chr11-57582878-C-T.
Other names: c.2696C>T, p.Ser899Phe (NM_001085459.2, NM_001085460.2, NM_001085461.2 and 1 more transcripts); c.2411C>T, p.Ser804Phe (NM_001085463.2, NM_001085466.2); c.2393C>T, p.Ser798Phe (NM_001085464.2, NM_001085467.2, NM_001085468.2 and 2 more transcripts); c.2330C>T, p.Ser777Phe (NM_001085465.2); c.2552C>T, p.Ser851Phe (NM_001206883.2, NM_001206884.2); c.2714C>T, p.Ser905Phe (NM_001206885.2); c.2534C>T, p.Ser845Phe (NM_001206886.2, NM_001206888.2, NM_001206889.2 and 1 more transcripts); c.2471C>T, p.Ser824Phe (NM_001206887.2); and 1 more; short protein forms S777F, S798F, S804F, S824F, S845F, S851F, S878F, S899F.
Identifiers: ClinVar variation 3345214 (VCV003345214.1).
Genomic context (GRCh38, chr11:57,815,406, plus strand): 5'-ACTAGAGGGGAATGTCATATTTCTGTGTACTTTTTTTTTTTTAACCAGATAACAACTATT[C>T]CACACCAAATGAGAGAGGAGACCACAATAGAACACTGGATCGATCGGGGGATCTAGGCGA-3'
Protein context (NP_001078927.1, residues 895-915): SNTKSLDNNY[Ser905Phe]TPNERGDHNR

ClinVar aggregate classification (germline): Uncertain significance (0 of 4 stars; one submission).

Conditions:
CTNND1-related disorder. Also called: CTNND1-related condition.

gnomAD v4.1: 1 of 1,594,238 alleles (0.000063%); highest among the groups gnomAD compares: South Asian, 0.0011%; no homozygotes.

Submission:

PreventionGenetics, part of Exact Sciences
Classification: Uncertain significance for CTNND1-related condition. Last evaluated: 2024-06-18. Review status: no assertion criteria provided. Collection method: clinical testing. Allele origin: germline.
Comment: The CTNND1 c.2714C>T variant is predicted to result in the amino acid substitution p.Ser905Phe. To our knowledge, this variant has not been reported in the literature. This variant is reported in 0.0037% of alleles in individuals of South Asian descent in gnomAD. At this time, the clinical significance of this variant is uncertain due to the absence of conclusive functional and genetic evidence.